The following is an entry in ClinVar:

NM_001734.5(C1S):c.1666G>A (p.Asp556Asn)

Gene: C1S (complement C1s; plus strand). Cytogenetic location: 12p13.31.
Variant type: single nucleotide variant.
Coding change: c.1666G>A on transcript NM_001734.5 (MANE Select); coding-DNA position 1666, G replaced by A.
Protein change: p.Asp556Asn; replaces aspartic acid 556 with asparagine.
Molecular consequence: missense variant.
Genome position (GRCh38, 1-based): chr12:7,070,250, G>A. VCF-style: chr12-7070250-G-A. GRCh37 (hg19) VCF-style: chr12-7177554-G-A.
Other names: c.1666G>A, p.Asp556Asn (NM_201442.4); c.1165G>A, p.Asp389Asn (NM_001346850.2); short protein forms D389N, D556N.
Identifiers: ClinVar variation 2978993 (VCV002978993.3), dbSNP rs781932595, ClinGen allele CA6423825.

ClinVar aggregate classification (germline): Uncertain significance (1 of 4 stars; one submission).

Allele frequency attached by ClinVar (database versions not stated): gnomAD 0.00001; TOPMed 0.00001.
gnomAD v4.1: 10 of 1,613,972 alleles (0.00062%); highest among the groups gnomAD compares: East Asian, 0.0022%; no homozygotes.

Submission:

Labcorp Genetics (formerly Invitae), Labcorp
Classification: Uncertain significance. Last evaluated: 2025-07-09. Review status: criteria provided, single submitter. Criteria: Invitae Variant Classification Sherloc (09022015). Collection method: clinical testing. Allele origin: germline.
Comment: This sequence change replaces aspartic acid, which is acidic and polar, with asparagine, which is neutral and polar, at codon 556 of the C1S protein (p.Asp556Asn). The frequency data for this variant in the population databases is considered unreliable, as metrics indicate poor data quality at this position in the gnomAD database. This variant has not been reported in the literature in individuals affected with C1S-related conditions. ClinVar contains an entry for this variant (Variation ID: 2978993). Invitae Evidence Modeling of protein sequence and biophysical properties (such as structural, functional, and spatial information, amino acid conservation, physicochemical variation, residue mobility, and thermodynamic stability) indicates that this missense variant is not expected to disrupt C1S protein function with a negative predictive value of 80%. In summary, the available evidence is currently insufficient to determine the role of this variant in disease. Therefore, it has been classified as a Variant of Uncertain Significance.